The following is an entry in ClinVar:

ClinVar aggregate classification (germline): Conflicting classifications of pathogenicity. Review status: criteria provided, conflicting classifications (1 of 4 stars). 5 submissions from 5 submitters: Uncertain significance (3); Benign (1); Likely benign (1). Last evaluated 2024-09-04.

Conditions:
Kleefstra syndrome 1 (KLEFS1). Identifiers: Orphanet 261494, MedGen C0795833, MONDO:0027407, OMIM 610253.
EHMT1-related disorder. Also called: EHMT1-related condition.

Allele frequency attached by ClinVar (database versions not stated): gnomAD exomes below 0.00001 and 0.00001; TOPMed below 0.00001; ExAC 0.00001; gnomAD 0.00001 and 0.00002.
gnomAD v4.1: 9 of 1,612,014 alleles (0.00056%); highest among the groups gnomAD compares: South Asian, 0.0033%; no homozygotes.

Submissions (5):

Women's Health and Genetics/Laboratory Corporation of America, LabCorp
Classification: Uncertain significance. Last evaluated: 2024-09-04. Review status: criteria provided, single submitter. Criteria: LabCorp Variant Classification Summary - May 2015. Collection method: clinical testing. Allele origin: germline.
Comment: Variant summary: EHMT1 c.2755G>A (p.Val919Met) results in a conservative amino acid change in the encoded protein sequence. Three of five in-silico tools predict a damaging effect of the variant on protein function. The variant allele was found at a frequency of 8e-06 in 249622 control chromosomes, predominantly at a frequency of 1.8e-05 within the Non-Finnish European subpopulation in the gnomAD database. The available data on variant occurrences in the general population are insufficient to allow any conclusion about variant significance. To our knowledge, no occurrence of c.2755G>A in individuals affected with Kleefstra Syndrome 1 and no experimental evidence demonstrating its impact on protein function have been reported. ClinVar contains an entry for this variant (Variation ID: 435045). Based on the evidence outlined above, the variant was classified as uncertain significance.

PreventionGenetics, part of Exact Sciences
Classification: Uncertain significance for EHMT1-related condition. Last evaluated: 2023-08-16. Review status: criteria provided, single submitter. Criteria: ACMG Guidelines, 2015. Collection method: clinical testing. Allele origin: germline.
Comment: The EHMT1 c.2755G>A variant is predicted to result in the amino acid substitution p.Val919Met. To our knowledge, this variant has not been reported in the literature. This variant is reported in 0.0018% of alleles in individuals of European (Non-Finnish) descent in gnomAD. At this time, the clinical significance of this variant is uncertain due to the absence of conclusive functional and genetic evidence.

Labcorp Genetics (formerly Invitae), Labcorp
Classification: Benign for Kleefstra syndrome 1. Last evaluated: 2022-08-31. Review status: criteria provided, single submitter. Criteria: Invitae Variant Classification Sherloc (09022015). Collection method: clinical testing. Allele origin: germline.

CeGaT Center for Human Genetics Tuebingen
Classification: Uncertain significance. Last evaluated: 2022-03-01. Review status: criteria provided, single submitter. Criteria: CeGaT Center For Human Genetics Tuebingen Variant Classification Criteria Version 2. Collection method: clinical testing. Allele origin: germline. Affected: yes. Observed: 1 variant allele.

Genetic Services Laboratory, University of Chicago
Classification: Likely benign. Last evaluated: 2017-12-27. Review status: criteria provided, single submitter. Criteria: ACMG Guidelines, 2015. Collection method: clinical testing. Allele origin: germline. Affected: no.

NM_024757.5(EHMT1):c.2755G>A (p.Val919Met)

Gene: EHMT1 (euchromatic histone lysine methyltransferase 1; plus strand). Cytogenetic location: 9q34.3.
Variant type: single nucleotide variant.
Coding change: c.2755G>A on transcript NM_024757.5 (MANE Select); coding-DNA position 2755, G replaced by A.
Protein change: p.Val919Met; replaces valine 919 with methionine.
Molecular consequence: missense variant.
Genome position (GRCh38, 1-based): chr9:137,811,503, G>A. VCF-style: chr9-137811503-G-A. GRCh37 (hg19) VCF-style: chr9-140705955-G-A.
Other names: c.2734G>A, p.Val912Met (NM_001354263.2); short protein forms V919M, V912M.
Identifiers: ClinVar variation 435045 (VCV000435045.47), dbSNP rs749976725, ClinGen allele CA5375052.